The following is an entry in ClinVar:

NM_004006.3(DMD):c.979del (p.Asp327fs)

Gene: DMD (dystrophin; minus strand). Cytogenetic location: Xp21.1.
Variant type: Deletion.
Coding change: c.979del on transcript NM_004006.3 (MANE Select); coding-DNA position 979, one base deleted (G; older notation c.979delG).
Protein change: p.Asp327fs; shifts the reading frame from aspartic acid 327.
Molecular consequence: frameshift variant.
Genome position (GRCh38, 1-based): chrX:32,645,134, C deleted on the plus strand (G on the coding strand, the reverse complement: DMD is on the minus strand). VCF-style (leftmost placement, unchanged base first): chrX-32645133-TC-T. GRCh37 (hg19) VCF-style: chrX-32663250-TC-T.
Other names: c.955del, p.Asp319fs (NM_000109.4); c.967del, p.Asp323fs (NM_004009.3); c.610del, p.Asp204fs (NM_004010.3); short protein forms D204fs, D319fs, D323fs, D327fs.
Identifiers: ClinVar variation 1806404 (VCV001806404.1), dbSNP rs2519655360, ClinGen allele CA2580100758.

ClinVar aggregate classification (germline): Likely pathogenic (1 of 4 stars; one submission).

Conditions:
Duchenne muscular dystrophy (DMD). Also called: MUSCULAR DYSTROPHY, PSEUDOHYPERTROPHIC PROGRESSIVE, DUCHENNE TYPE; Duchenne Muscular Dystrophy (DMD). Identifiers: Orphanet 98896, MedGen C0013264, MONDO:0010679, OMIM 310200.

Submission:

Laboratory of Medical Genetics, National & Kapodistrian University of Athens
Classification: Likely pathogenic for Duchenne muscular dystrophy. Last evaluated: 2022-12-16. Review status: criteria provided, single submitter. Criteria: ACMG Guidelines, 2015. Collection method: clinical testing. Allele origin: germline. Affected: yes.
Comment: PVS1,PM2